The following is an entry in ClinVar:

ClinVar aggregate classification (germline): Pathogenic. Review status: criteria provided, multiple submitters, no conflicts (2 of 4 stars). 3 submissions from 3 submitters: Pathogenic (3). Last evaluated 2025-02-27.

Conditions:
Familial adenomatous polyposis 1 (FAP1). Also called: FAMILIAL ADENOMATOUS POLYPOSIS 1, ATTENUATED; POLYPOSIS, ADENOMATOUS INTESTINAL. Identifiers: MedGen C2713442, MONDO:0021056, OMIM 175100. Disease mechanism: loss of function.
Hereditary cancer-predisposing syndrome. Also called: Hereditary neoplastic syndrome; Tumor predisposition; Hereditary Cancer Syndrome; Neoplastic Syndromes, Hereditary. Identifiers: Orphanet 140162, MedGen C0027672, MeSH D009386, MONDO:0015356.

Submissions (3):

Labcorp Genetics (formerly Invitae), Labcorp
Classification: Pathogenic for Familial adenomatous polyposis 1. Last evaluated: 2025-02-27. Review status: criteria provided, single submitter. Criteria: Invitae Variant Classification Sherloc (09022015). Collection method: clinical testing. Allele origin: germline.
Comment: This sequence change creates a premature translational stop signal (p.Glu941*) in the APC gene. While this is not anticipated to result in nonsense mediated decay, it is expected to disrupt the last 1903 amino acid(s) of the APC protein. This variant is not present in population databases (gnomAD no frequency). This premature translational stop signal has been observed in individual(s) with APC-related conditions (PMID: 20649969). ClinVar contains an entry for this variant (Variation ID: 2584055). This variant is expected to disrupt the EB1 and HDLG binding sites, which mediate interactions with the cytoskeleton (PMID: 15311282, 17293347). While functional studies have not been performed to directly test the effect on APC protein function, this suggests that disruption of the C-terminal portion of the protein is functionally important. A different truncation (p.Tyr2645Lysfs*14) that lies downstream of this variant has been determined to be pathogenic (PMID: 9824584, 1316610, 27081525, 8381579, 22135120, internal data). This suggests that deletion of this region of the APC protein is causative of disease. For these reasons, this variant has been classified as Pathogenic.

Ambry Genetics
Classification: Pathogenic for Hereditary cancer-predisposing syndrome. Last evaluated: 2024-03-21. Review status: criteria provided, single submitter. Criteria: Ambry Variant Classification Scheme 2023. Collection method: clinical testing. Allele origin: germline.
Comment: The p.E941* variant (also known as c.2821G>T), located in coding exon 15 of the APC gene, results from a G to T substitution at nucleotide position 2821. This changes the amino acid from a glutamic acid to a stop codon within coding exon 15. This alteration occurs at the 3' terminus of theAPC gene, is not expected to trigger nonsense-mediated mRNA decay, and only impacts the last 67% of the protein. However, premature stop codons are typically deleterious in nature and a significant portion of the protein is affected (Ambry internal data). This variant was reported in an individual with features consistent with APC-associated polyposis conditions (Fostira F et al. BMC Cancer, 2010 Jul;10:389). This variant has been observed in at least one individual with a personal and/or family history that is consistent with APC-associated polyposis conditions (Ambry internal data). This variant is considered to be rare based on population cohorts in the Genome Aggregation Database (gnomAD). Based on the supporting evidence, this alteration is interpreted as a disease-causing mutation.

Myriad Genetics, Inc.
Classification: Pathogenic for Familial adenomatous polyposis 1. Last evaluated: 2023-05-05. Review status: criteria provided, single submitter. Criteria: Myriad Autosomal Dominant, Autosomal Recessive and X-Linked Classification Criteria (2023). Collection method: clinical testing. Allele origin: unknown.
Comment: This variant is considered pathogenic. This variant creates a termination codon and is predicted to result in premature protein truncation.

Literature cited by the submitters: PubMed 20649969 (cited by Labcorp Genetics (formerly Invitae), Labcorp and Ambry Genetics); PubMed 15311282 (cited by Labcorp Genetics (formerly Invitae), Labcorp); PubMed 17293347 (cited by Labcorp Genetics (formerly Invitae), Labcorp); PubMed 9824584 (cited by Labcorp Genetics (formerly Invitae), Labcorp); PubMed 1316610 (cited by Labcorp Genetics (formerly Invitae), Labcorp); PubMed 27081525 (cited by Labcorp Genetics (formerly Invitae), Labcorp); PubMed 8381579 (cited by Labcorp Genetics (formerly Invitae), Labcorp); PubMed 22135120 (cited by Labcorp Genetics (formerly Invitae), Labcorp).

NM_000038.6(APC):c.2821G>T (p.Glu941Ter)

Gene: APC (APC regulator of Wnt signaling pathway; plus strand). Cytogenetic location: 5q22.2.
Variant type: single nucleotide variant.
Coding change: c.2821G>T on transcript NM_000038.6 (MANE Select); coding-DNA position 2821, G replaced by T.
Protein change: p.Glu941Ter; replaces glutamic acid 941 with a stop codon.
Molecular consequence: nonsense. On other transcripts: non-coding transcript variant (2).
Genome position (GRCh38, 1-based): chr5:112,838,415, G>T. VCF-style: chr5-112838415-G-T. GRCh37 (hg19) VCF-style: chr5-112174112-G-T.
Other names: c.2821G>T, p.Glu941Ter (NM_001127510.3, NM_001354895.2, NM_001407450.1); c.2767G>T, p.Glu923Ter (NM_001127511.3); c.2875G>T, p.Glu959Ter (NM_001354896.2, NM_001407447.1, NM_001407448.1 and 1 more transcripts); c.2851G>T, p.Glu951Ter (NM_001354897.2); c.2746G>T, p.Glu916Ter (NM_001354898.2); c.2737G>T, p.Glu913Ter (NM_001354899.2); c.2698G>T, p.Glu900Ter (NM_001354900.2); c.2644G>T, p.Glu882Ter (NM_001354901.2, NM_001407453.1); and 12 more; short protein forms E557*, E658*, E781*, E812*, E815*, E840*, E850*, E858*.
Identifiers: ClinVar variation 2584055 (VCV002584055.4), dbSNP rs2149878177, ClinGen allele CA16027483.
Genomic context (GRCh38, chr5:112,838,415, plus strand): 5'-GCACTTAGAAGAAGCTCTGCTGCCCATACACATTCAAACACTTACAATTTCACTAAGTCG[G>T]AAAATTCAAATAGGACATGTTCTATGCCTTATGCCAAATTAGAATACAAGAGATCTTCAA-3'